The following is an entry in ClinVar:

ClinVar aggregate classification (germline): Uncertain significance (1 of 4 stars; one submission).

Conditions:
Cardiovascular phenotype. Identifiers: MedGen CN230736.

gnomAD v4.1: 2 of 1,537,732 alleles (0.00013%); highest among the groups gnomAD compares: Non-Finnish European, 0.00017%; no homozygotes.

Submission:

Ambry Genetics
Classification: Uncertain significance for Cardiovascular phenotype. Last evaluated: 2026-02-04. Review status: criteria provided, single submitter. Criteria: Ambry Variant Classification Scheme 2023. Collection method: clinical testing. Allele origin: germline.
Comment: The p.A170S variant (also known as c.508G>T), located in coding exon 1 of the FKRP gene, results from a G to T substitution at nucleotide position 508. The alanine at codon 170 is replaced by serine, an amino acid with similar properties. This amino acid position is well conserved in available vertebrate species. In addition, the in silico prediction for this alteration is inconclusive. Based on the available evidence, the clinical significance of this variant remains unclear.

NM_024301.5(FKRP):c.508G>T (p.Ala170Ser)

Gene: FKRP (fukutin related protein; plus strand). Cytogenetic location: 19q13.32.
Variant type: single nucleotide variant.
Coding change: c.508G>T on transcript NM_024301.5 (MANE Select); coding-DNA position 508, G replaced by T.
Protein change: p.Ala170Ser; replaces alanine 170 with serine.
Molecular consequence: missense variant.
Genome position (GRCh38, 1-based): chr19:46,755,958, G>T. VCF-style: chr19-46755958-G-T. GRCh37 (hg19) VCF-style: chr19-47259215-G-T.
Other names: c.508G>T, p.Ala170Ser (NM_001039885.3); short protein forms A170S.
Identifiers: ClinVar variation 4824896 (VCV004824896.1).